The following is an entry in ClinVar:

ClinVar aggregate classification (germline): Uncertain significance. Review status: criteria provided, multiple submitters, no conflicts (2 of 4 stars). 3 submissions from 3 submitters: Uncertain significance (3). Last evaluated 2025-10-08.

Conditions:
Dyskeratosis congenita. Identifiers: Orphanet 1775, MedGen C0265965, MONDO:0015780.

Submissions (3):

Department of Clinical Genetics, Copenhagen University Hospital, Rigshospitalet
Classification: Uncertain significance for Dyskeratosis congenita. Last evaluated: 2025-10-08. Review status: criteria provided, single submitter. Criteria: ACMG Guidelines, 2015. Collection method: clinical testing. Allele origin: germline.
Comment: The following ACMG criteria has been used: PM2_SUP; PP3_SUP (Revel score 0.760)

Centre for Clinical Genetics and Genomic Diagnostics, Zealand University Hospital
Classification: Uncertain significance. Last evaluated: 2025-07-01. Review status: criteria provided, single submitter. Criteria: ACMG Guidelines, 2015. Collection method: clinical testing. Allele origin: germline. Affected: no.

Ambry Genetics
Classification: Uncertain significance for Dyskeratosis congenita. Last evaluated: 2023-08-25. Review status: criteria provided, single submitter. Criteria: Ambry Variant Classification Scheme 2023. Collection method: clinical testing. Allele origin: germline.
Comment: The p.T937S variant (also known as c.2810C>G), located in coding exon 11 of the TERT gene, results from a C to G substitution at nucleotide position 2810. The threonine at codon 937 is replaced by serine, an amino acid with similar properties. This amino acid position is conserved. In addition, the in silico prediction for this alteration is inconclusive. Since supporting evidence is limited at this time, the clinical significance of this alteration remains unclear.

NM_198253.3(TERT):c.2810C>G (p.Thr937Ser)

Gene: TERT (telomerase reverse transcriptase; minus strand). Cytogenetic location: 5p15.33.
Variant type: single nucleotide variant.
Coding change: c.2810C>G on transcript NM_198253.3 (MANE Select); coding-DNA position 2810, C replaced by G.
Protein change: p.Thr937Ser; replaces threonine 937 with serine.
Molecular consequence: missense variant. On other transcripts: intron variant (1).
Genome position (GRCh38, 1-based): chr5:1,264,437, G>C on the plus strand (C>G on the coding strand, the complement: TERT is on the minus strand). VCF-style: chr5-1264437-G-C. GRCh37 (hg19) VCF-style: chr5-1264552-G-C.
Other names: c.2810C>G, p.Thr937Ser (NM_003219.1); c.2654+2027C>G (NM_001193376.3); short protein forms T937S.
Identifiers: ClinVar variation 3238582 (VCV003238582.3), dbSNP rs2478152788.
Genomic context (GRCh38, chr5:1,264,437, plus strand): 5'-GCTCCACTTCCGGCCAGGTGCGCTCACCTGGAGTAGTCGCTCTGCACCTCCAGGGTCCGG[G>C]TATCCAGCAGCAGGCCGCACCAGGGGAATAGGCCGTGGGCCGGCATCTGAACAAAAGCCG-3'
Protein context (NP_937983.2, residues 927-947): LFPWCGLLLD[Thr937Ser]RTLEVQSDYS